The following is an entry in ClinVar:

NM_014003.4(DHX38):c.602G>A (p.Arg201Gln)

Gene: DHX38 (DEAH-box helicase 38; plus strand). Cytogenetic location: 16q22.2.
Variant type: single nucleotide variant.
Coding change: c.602G>A on transcript NM_014003.4 (MANE Select); coding-DNA position 602, G replaced by A.
Protein change: p.Arg201Gln; replaces arginine 201 with glutamine.
Molecular consequence: missense variant.
Genome position (GRCh38, 1-based): chr16:72,097,767, G>A. VCF-style: chr16-72097767-G-A. GRCh37 (hg19) VCF-style: chr16-72131666-G-A.
Other names: short protein forms R201Q.
Identifiers: ClinVar variation 2142249 (VCV002142249.3), dbSNP rs1264540359, ClinGen allele CA396701819.

ClinVar aggregate classification (germline): Uncertain significance (1 of 4 stars; one submission).

Allele frequency attached by ClinVar (database versions not stated): gnomAD exomes below 0.00001; gnomAD 0.00001; TOPMed 0.00002.

Submission:

Labcorp Genetics (formerly Invitae), Labcorp
Classification: Uncertain significance. Last evaluated: 2022-07-30. Review status: criteria provided, single submitter. Criteria: Invitae Variant Classification Sherloc (09022015). Collection method: clinical testing. Allele origin: germline.
Comment: In summary, the available evidence is currently insufficient to determine the role of this variant in disease. Therefore, it has been classified as a Variant of Uncertain Significance. Algorithms developed to predict the effect of missense changes on protein structure and function (SIFT, PolyPhen-2, Align-GVGD) all suggest that this variant is likely to be tolerated. This variant has not been reported in the literature in individuals affected with DHX38-related conditions. This variant is not present in population databases (gnomAD no frequency). This sequence change replaces arginine, which is basic and polar, with glutamine, which is neutral and polar, at codon 201 of the DHX38 protein (p.Arg201Gln).